The following is an entry in ClinVar:

ClinVar aggregate classification (germline): Uncertain significance (1 of 4 stars; one submission).

Submission:

Labcorp Genetics (formerly Invitae), Labcorp
Classification: Uncertain significance. Last evaluated: 2025-10-03. Review status: criteria provided, single submitter. Criteria: Invitae Variant Classification Sherloc (09022015). Collection method: clinical testing. Allele origin: germline.
Comment: This sequence change replaces arginine, which is basic and polar, with threonine, which is neutral and polar, at codon 1110 of the TBC1D8B protein (p.Arg1110Thr). This variant is not present in population databases (gnomAD no frequency). This variant has not been reported in the literature in individuals affected with TBC1D8B-related conditions. An algorithm developed to predict the effect of missense changes on protein structure and function (PolyPhen-2) suggests that this variant is likely to be tolerated. In summary, the available evidence is currently insufficient to determine the role of this variant in disease. Therefore, it has been classified as a Variant of Uncertain Significance.

NM_017752.3(TBC1D8B):c.3329G>C (p.Arg1110Thr)

Gene: TBC1D8B (TBC1 domain family member 8B; plus strand). Cytogenetic location: Xq22.3.
Variant type: single nucleotide variant.
Coding change: c.3329G>C on transcript NM_017752.3 (MANE Select); coding-DNA position 3329, G replaced by C.
Protein change: p.Arg1110Thr; replaces arginine 1110 with threonine.
Molecular consequence: missense variant.
Genome position (GRCh38, 1-based): chrX:106,873,931, G>C. VCF-style: chrX-106873931-G-C. GRCh37 (hg19) VCF-style: chrX-106117161-G-C.
Other names: c.3179G>C, p.Arg1060Thr (NM_001441214.1); c.3035G>C, p.Arg1012Thr (NM_001441215.1); short protein forms R1012T, R1110T, R1060T.
Identifiers: ClinVar variation 4761948 (VCV004761948.1).